The following is an entry in ClinVar:

ClinVar aggregate classification (germline): Benign. Review status: reviewed by expert panel (3 of 4 stars). 4 submissions from 4 submitters: Benign (1). 3 of the submissions do not count toward it. Last evaluated 2026-04-23.

Conditions:
Angelman syndrome (AS). Also called: HAPPY PUPPET SYNDROME. Identifiers: Orphanet 72, MedGen C0162635, MONDO:0007113, OMIM 105830. Disease mechanism: loss of function. Inheritance: AS is caused by disruption of maternally imprinted UBE3A located within the 15q11.2-q13 Angelman syndrome/Prader-Willi syndrome (AS/PWS) region., imprinting disorder.

Submissions (4):

ClinGen Rett and Angelman-like Disorders Variant Curation Expert Panel
Classification: Benign for Angelman syndrome. Last evaluated: 2026-04-23. Review status: reviewed by expert panel. Criteria: ClinGen RettAS ACMG Specifications UBE3A V6.0.0. Collection method: curation. Allele origin: germline. Inheritance: Autosomal dominant inheritance.
Comment: The highest population minor allele frequency of the c.*8_*17del variant in UBE3A in gnomAD v4.1.1 is 0.000373 in the African/African-American population, which is higher than the ClinGen Rett and Angelman-like Disorders VCEP threshold (≥0.000083) for BA1, and therefore meets this criterion (BA1). The c.*8_*17del variant in UBE3A is therefore classified as benign based on the ACMG/AMP criteria (BA1). (UBE3A Specifications v6.0; curation approved on 4/23/2026)

Blueprint Genetics
Classification: Likely benign. Last evaluated: 2020-02-20. Review status: criteria provided, single submitter. Criteria: ACMG Guidelines, 2015. Collection method: clinical testing. Allele origin: germline. Not counted in ClinVar's aggregate classification.

Eurofins Ntd Llc (ga)
Classification: Uncertain significance. Last evaluated: 2018-05-30. Review status: criteria provided, single submitter. Criteria: EGL ClinVar v180209 classification definitions. Collection method: clinical testing. Allele origin: germline. Observed: 1 variant allele, 1 heterozygote. Not counted in ClinVar's aggregate classification.

GeneDx
Classification: Benign. Last evaluated: 2015-03-03. Review status: criteria provided, single submitter. Criteria: GeneDx Variant Classification Process June 2021. Collection method: clinical testing. Allele origin: germline. Affected: yes. Not counted in ClinVar's aggregate classification.

NM_130839.5(UBE3A):c.*3CAAAA[1] (p.Ter873=)

Genes: SNHG14 (small nucleolar RNA host gene 14; plus strand), UBE3A (ubiquitin protein ligase E3A; minus strand). Cytogenetic location: 15q11.2.
Variant type: Microsatellite.
Coding change: c.*3CAAAA[1] on transcript NM_130839.5 (MANE Select); one copy of the 5-base unit CAAAA starting at c.*3; the reference has three copies in a row; two copies, 10 bases deleted.
Protein change: p.Ter873=.
Molecular consequence: no sequence alteration. On other transcripts: non-coding transcript variant (1).
Genome position (GRCh38, 1-based): chr15:25,339,120-25,339,129, TTTTGTTTTG deleted on the plus strand (CAAAACAAAA on the coding strand, the reverse complement: UBE3A is on the minus strand); deleting any 10 consecutive bases within chr15:25,339,120-25,339,138 gives the same sequence; the position shown is the placement nearest the transcript's 3' end. VCF-style (leftmost placement, unchanged base first): chr15-25339119-ATTTTGTTTTG-A. GRCh37 (hg19) VCF-style: chr15-25584266-ATTTTGTTTTG-A.
Other names: NM_130839.5(UBE3A):c.*3CAAAA[1]; p.Ter873=; c.*3CAAAA[1], p.Ter798= (NM_001354549.2); c.*3CAAAA[1], p.Ter456= (NM_001354550.2); c.*3CAAAA[1], p.Ter436= (NM_001354551.2); c.*3CAAAA[1], p.Ter853= (NM_001374461.1, NM_130838.4, NM_001354506.2 and 14 more transcripts); c.*3CAAAA[1], p.Ter876= (NM_000462.5); c.*3CAAAA[1], p.Ter873= (NM_001354505.1, NM_001354538.2); and 3 more.
Identifiers: ClinVar variation 597186 (VCV000597186.11), dbSNP rs587782926, ClinGen allele CA7435329.